The following is an entry in ClinVar:

NM_006431.3(CCT2):c.431C>T (p.Ser144Phe)

Gene: CCT2 (chaperonin containing TCP1 subunit 2; plus strand). Cytogenetic location: 12q15.
Variant type: single nucleotide variant.
Coding change: c.431C>T on transcript NM_006431.3 (MANE Select); coding-DNA position 431, C replaced by T.
Protein change: p.Ser144Phe; replaces serine 144 with phenylalanine.
Molecular consequence: missense variant.
Genome position (GRCh38, 1-based): chr12:69,588,247, C>T. VCF-style: chr12-69588247-C-T. GRCh37 (hg19) VCF-style: chr12-69982027-C-T.
Other names: c.290C>T, p.Ser97Phe (NM_001198842.2); short protein forms S144F, S97F.
Identifiers: ClinVar variation 4797775 (VCV004797775.1).

ClinVar aggregate classification (germline): Uncertain significance (1 of 4 stars; one submission).

gnomAD v4.1: 5 of 1,612,588 alleles (0.00031%); highest among the groups gnomAD compares: East Asian, 0.0067%; no homozygotes.

Submission:

Labcorp Genetics (formerly Invitae), Labcorp
Classification: Uncertain significance. Last evaluated: 2025-08-25. Review status: criteria provided, single submitter. Criteria: Invitae Variant Classification Sherloc (09022015). Collection method: clinical testing. Allele origin: germline.
Comment: This sequence change replaces serine, which is neutral and polar, with phenylalanine, which is neutral and non-polar, at codon 144 of the CCT2 protein (p.Ser144Phe). This variant is present in population databases (rs756045930, gnomAD 0.02%). This variant has not been reported in the literature in individuals affected with CCT2-related conditions. An algorithm developed to predict the effect of missense changes on protein structure and function (PolyPhen-2) suggests that this variant is likely to be tolerated. In summary, the available evidence is currently insufficient to determine the role of this variant in disease. Therefore, it has been classified as a Variant of Uncertain Significance.